The following is an entry in ClinVar:

ClinVar aggregate classification (germline): Uncertain significance. Review status: criteria provided, multiple submitters, no conflicts (2 of 4 stars). 2 submissions from 2 submitters: Uncertain significance (2). Last evaluated 2025-04-24.

Conditions:
Perlman syndrome (PRLMNS). Identifiers: Orphanet 2849, MedGen C0796113, MONDO:0009965, OMIM 267000.

Allele frequency attached by ClinVar (database versions not stated): gnomAD 0.00001; TOPMed 0.00001; ExAC 0.00006; ESP Exome Variant Server 0.00016.

Submissions (2):

Institute for Genomic Medicine, Nationwide Children's Hospital
Classification: Uncertain significance for Perlman syndrome. Last evaluated: 2025-04-24. Review status: criteria provided, single submitter. Criteria: ACMG Guidelines, 2015. Collection method: clinical testing. Allele origin: maternal. Inheritance: Autosomal recessive inheritance. Affected: yes. Observed: 2 variant alleles.
Comment: The c.2381G>A variant creates a missense change (p.Arg794His) at residue 794 of the DIS3L2 protein. It is observed in heterozygous form, but extremely rare, in population databases including gnomAD (6/802,749) and All of Us (4/414,826). In silico tools are conflicting about the effect this variant has on the encoded protein (10/25 say damaging); most established disease-causing alterations in this gene to date are loss-of-function variants. This variant was compound-heterozygous with a nonsense change (c.127C>T) in two siblings with Perlman syndrome who underwent trio exome sequencing. We interpret it as a variant of uncertain significance.

Labcorp Genetics (formerly Invitae), Labcorp
Classification: Uncertain significance for Perlman syndrome. Last evaluated: 2023-10-23. Review status: criteria provided, single submitter. Criteria: Invitae Variant Classification Sherloc (09022015). Collection method: clinical testing. Allele origin: germline.
Comment: This sequence change replaces arginine, which is basic and polar, with histidine, which is basic and polar, at codon 794 of the DIS3L2 protein (p.Arg794His). The frequency data for this variant in the population databases is considered unreliable, as metrics indicate poor data quality at this position in the gnomAD database. This variant has not been reported in the literature in individuals affected with DIS3L2-related conditions. ClinVar contains an entry for this variant (Variation ID: 566831). Advanced modeling of protein sequence and biophysical properties (such as structural, functional, and spatial information, amino acid conservation, physicochemical variation, residue mobility, and thermodynamic stability) performed at Invitae indicates that this missense variant is expected to disrupt DIS3L2 protein function. In summary, the available evidence is currently insufficient to determine the role of this variant in disease. Therefore, it has been classified as a Variant of Uncertain Significance.

Literature cited by the submitters: PubMed 22306653 (cited by Institute for Genomic Medicine, Nationwide Children's Hospital).

NM_152383.5(DIS3L2):c.2381G>A (p.Arg794His)

Gene: DIS3L2 (DIS3 like 3'-5' exoribonuclease 2; plus strand). Cytogenetic location: 2q37.1.
Variant type: single nucleotide variant.
Coding change: c.2381G>A on transcript NM_152383.5 (MANE Select); coding-DNA position 2381, G replaced by A.
Protein change: p.Arg794His; replaces arginine 794 with histidine.
Molecular consequence: missense variant. On other transcripts: non-coding transcript variant (2), intron variant (1).
Genome position (GRCh38, 1-based): chr2:232,334,722, G>A. VCF-style: chr2-232334722-G-A. GRCh37 (hg19) VCF-style: chr2-233199432-G-A.
Other names: c.1582-8623G>A (NM_001257281.2); short protein forms R794H.
Identifiers: ClinVar variation 566831 (VCV000566831.8), dbSNP rs368280072, ClinGen allele CA2164517.